The following is an entry in ClinVar:

NM_014140.4(SMARCAL1):c.3G>A (p.Met1Ile)

Gene: SMARCAL1 (SNF2 related chromatin remodeling annealing helicase 1; plus strand). Cytogenetic location: 2q35.
Variant type: single nucleotide variant.
Coding change: c.3G>A on transcript NM_014140.4 (MANE Select); coding-DNA position 3, G replaced by A.
Protein change: p.Met1Ile; changes the start codon (methionine 1).
Molecular consequence: missense variant, initiator codon variant.
Genome position (GRCh38, 1-based): chr2:216,414,707, G>A. VCF-style: chr2-216414707-G-A. GRCh37 (hg19) VCF-style: chr2-217279430-G-A.
Other names: c.3G>A, p.Met1Ile (NM_001127207.2); short protein forms M1I.
Identifiers: ClinVar variation 4815607 (VCV004815607.1).

ClinVar aggregate classification (germline): Likely pathogenic (1 of 4 stars; one submission).

Conditions:
Schimke immuno-osseous dysplasia (SIOD). Also called: Schimke Immunoosseous Dysplasia. Identifiers: Orphanet 1830, MedGen C0877024, MONDO:0009458, OMIM 242900.

Submission:

Natera, Inc.
Classification: Likely pathogenic for Schimke immuno-osseous dysplasia. Last evaluated: 2024-08-06. Review status: criteria provided, single submitter. Criteria: Natera Variant Classification Schema (03/2026). Collection method: clinical testing. Allele origin: germline.
Comment: The c.3G>A variant in SMARCAL1 is predicted to result in start loss due to disruption of the initiator methionine. This variant is expected to result in nonsense mediated decay, truncation, or a dysfunctional protein product. This variant is rare in the general population with a frequency below the threshold expected for the associated phenotype(s). This variant has been observed in one or more individuals affected with the associated recessive disease, as either homozygous or compound heterozygous with a second variant (PMID: 20179009). Given the available evidence, this variant is classified as Likely Pathogenic.

Literature cited by the submitters: PubMed 20179009.